The following is an entry in ClinVar:

NM_000245.4(MET):c.2058T>A (p.Asn686Lys)

Gene: MET (MET proto-oncogene, receptor tyrosine kinase; plus strand). Cytogenetic location: 7q31.2.
Variant type: single nucleotide variant.
Coding change: c.2058T>A on transcript NM_000245.4 (MANE Select); coding-DNA position 2058, T replaced by A.
Protein change: p.Asn686Lys; replaces asparagine 686 with lysine.
Molecular consequence: missense variant.
Genome position (GRCh38, 1-based): chr7:116,757,730, T>A. VCF-style: chr7-116757730-T-A. GRCh37 (hg19) VCF-style: chr7-116397784-T-A.
Other names: c.2058T>A, p.Asn686Lys (NM_001127500.3, NM_001324401.3); c.768T>A, p.Asn256Lys (NM_001324402.2); short protein forms N256K, N686K.
Identifiers: ClinVar variation 5024380 (VCV005024380.1).

ClinVar aggregate classification (germline): Uncertain significance (1 of 4 stars; one submission).

Conditions:
Hereditary cancer-predisposing syndrome. Also called: Neoplastic Syndromes, Hereditary; Tumor predisposition; Hereditary neoplastic syndrome; Hereditary Cancer Syndrome. Identifiers: Orphanet 140162, MedGen C0027672, MeSH D009386, MONDO:0015356.

Submission:

Ambry Genetics
Classification: Uncertain significance for Hereditary cancer-predisposing syndrome. Last evaluated: 2026-07-07. Review status: criteria provided, single submitter. Criteria: Ambry Variant Classification Scheme 2023. Collection method: clinical testing. Allele origin: germline.
Comment: The p.N686K variant (also known as c.2058T>A), located in coding exon 7 of the MET gene, results from a T to A substitution at nucleotide position 2058. The asparagine at codon 686 is replaced by lysine, an amino acid with similar properties. This amino acid position is conserved. In addition, this alteration is predicted to be tolerated by in silico analysis. Based on the available evidence, the clinical significance of this variant remains unclear.